The following is an entry in ClinVar:

NM_000059.4(BRCA2):c.6484A>G (p.Lys2162Glu)

Gene: BRCA2 (BRCA2 DNA repair associated; plus strand). Cytogenetic location: 13q13.1.
Variant type: single nucleotide variant.
Coding change: c.6484A>G on transcript NM_000059.4 (MANE Select); coding-DNA position 6484, A replaced by G.
Protein change: p.Lys2162Glu; replaces lysine 2162 with glutamic acid.
Molecular consequence: missense variant.
Genome position (GRCh38, 1-based): chr13:32,340,839, A>G. VCF-style: chr13-32340839-A-G. GRCh37 (hg19) VCF-style: chr13-32914976-A-G.
Other names: short protein forms K2162E.
Identifiers: ClinVar variation 1470693 (VCV001470693.9), dbSNP rs1555284717, ClinGen allele CA387789457.

ClinVar aggregate classification (germline): Conflicting classifications of pathogenicity. Review status: criteria provided, conflicting classifications (1 of 4 stars). 2 submissions from 2 submitters: Uncertain significance (1); Likely benign (1). Last evaluated 2023-03-23.

Conditions:
Hereditary cancer-predisposing syndrome. Also called: Tumor predisposition; Hereditary Cancer Syndrome; Hereditary neoplastic syndrome; Neoplastic Syndromes, Hereditary. Identifiers: Orphanet 140162, MedGen C0027672, MeSH D009386, MONDO:0015356.
Hereditary breast ovarian cancer syndrome. Also called: BRCA1- and BRCA2-Associated Hereditary Breast and Ovarian Cancer; Hereditary breast and ovarian cancer; Hereditary breast and ovarian cancer syndrome; Hereditary breast and ovarian cancer syndrome (HBOC); Breast and ovarian cancer; Hereditary breast and/or ovarian cancer syndrome. Identifiers: Orphanet 145, MedGen C0677776, MeSH D061325, MONDO:0003582. Disease mechanism: loss of function.

Submissions (2):

University of Washington Department of Laboratory Medicine, University of Washington
Classification: Likely benign for Hereditary cancer-predisposing syndrome. Last evaluated: 2023-03-23. Review status: criteria provided, single submitter. Criteria: Dines et al. (Genet Med. 2020). Collection method: curation. Allele origin: germline.
Comment: Missense variant in a coldspot region where missense variants are very unlikely to be pathogenic (PMID:31911673).

BRCA2 exon 11 coldspot. Reclassification based on statistical prior probability.

Labcorp Genetics (formerly Invitae), Labcorp
Classification: Uncertain significance for Hereditary breast ovarian cancer syndrome. Last evaluated: 2021-03-09. Review status: criteria provided, single submitter. Criteria: Invitae Variant Classification Sherloc (09022015). Collection method: clinical testing. Allele origin: germline.
Comment: In summary, the available evidence is currently insufficient to determine the role of this variant in disease. Therefore, it has been classified as a Variant of Uncertain Significance. This sequence change replaces lysine with glutamic acid at codon 2162 of the BRCA2 protein (p.Lys2162Glu). The lysine residue is weakly conserved and there is a small physicochemical difference between lysine and glutamic acid. This variant is not present in population databases (ExAC no frequency). This variant has not been reported in the literature in individuals with BRCA2-related conditions. Advanced modeling of protein sequence and biophysical properties (such as structural, functional, and spatial information, amino acid conservation, physicochemical variation, residue mobility, and thermodynamic stability) performed at Invitae indicates that this missense variant is not expected to disrupt BRCA2 protein function.